The following is an entry in ClinVar:

NM_201596.3(CACNB2):c.1432C>G (p.Arg478Gly)

Gene: CACNB2 (calcium voltage-gated channel auxiliary subunit beta 2; plus strand). Cytogenetic location: 10p12.31.
Variant type: single nucleotide variant.
Coding change: c.1432C>G on transcript NM_201596.3 (MANE Select); coding-DNA position 1432, C replaced by G.
Protein change: p.Arg478Gly; replaces arginine 478 with glycine.
Molecular consequence: missense variant.
Genome position (GRCh38, 1-based): chr10:18,538,309, C>G. VCF-style: chr10-18538309-C-G. GRCh37 (hg19) VCF-style: chr10-18827238-C-G.
Other names: c.1267C>G, p.Arg423Gly (NM_000724.4); c.1234C>G, p.Arg412Gly (NM_001167945.2); c.1153C>G, p.Arg385Gly (NM_001330060.2); c.1174C>G, p.Arg392Gly (NM_001410882.1); c.1288C>G, p.Arg430Gly (NM_201570.3); c.1348C>G, p.Arg450Gly (NM_201571.4); c.1276C>G, p.Arg426Gly (NM_201572.4); c.1270C>G, p.Arg424Gly (NM_201590.3); and 2 more; short protein forms R392G, R423G, R440G, R478G, R412G, R426G, R385G, R424G.
Identifiers: ClinVar variation 1765347 (VCV001765347.6), dbSNP rs551742573, ClinGen allele CA5430025.

ClinVar aggregate classification (germline): Uncertain significance. Review status: criteria provided, multiple submitters, no conflicts (2 of 4 stars). 2 submissions from 2 submitters: Uncertain significance (2). Last evaluated 2024-04-05.

Conditions:
Cardiovascular phenotype. Identifiers: MedGen CN230736.
Brugada syndrome 4 (BRGDA4). Identifiers: Orphanet 130, MedGen C2678477, MONDO:0012743, OMIM 611876.

Allele frequency attached by ClinVar (database versions not stated): 1000 Genomes Project 30x 0.00031; 1000 Genomes Project 0.00040.
gnomAD v4.1: 12 of 1,614,126 alleles (0.00074%); highest among the groups gnomAD compares: Admixed American, 0.013%; no homozygotes.

Submissions (2):

Ambry Genetics
Classification: Uncertain significance for Cardiovascular phenotype. Last evaluated: 2024-04-05. Review status: criteria provided, single submitter. Criteria: Ambry Variant Classification Scheme 2023. Collection method: clinical testing. Allele origin: germline.
Comment: The p.R424G variant (also known as c.1270C>G), located in coding exon 12 of the CACNB2 gene, results from a C to G substitution at nucleotide position 1270. The arginine at codon 424 is replaced by glycine, an amino acid with dissimilar properties. This amino acid position is conserved. In addition, the in silico prediction for this alteration is inconclusive. Since supporting evidence is limited at this time, the clinical significance of this alteration remains unclear.

Labcorp Genetics (formerly Invitae), Labcorp
Classification: Uncertain significance for Brugada syndrome 4. Last evaluated: 2023-05-19. Review status: criteria provided, single submitter. Criteria: Invitae Variant Classification Sherloc (09022015). Collection method: clinical testing. Allele origin: germline.
Comment: ClinVar contains an entry for this variant (Variation ID: 1765347). Advanced modeling of protein sequence and biophysical properties (such as structural, functional, and spatial information, amino acid conservation, physicochemical variation, residue mobility, and thermodynamic stability) performed at Invitae indicates that this missense variant is not expected to disrupt CACNB2 protein function. In summary, the available evidence is currently insufficient to determine the role of this variant in disease. Therefore, it has been classified as a Variant of Uncertain Significance. This variant has not been reported in the literature in individuals affected with CACNB2-related conditions. This variant is present in population databases (rs551742573, gnomAD 0.006%). This sequence change replaces arginine, which is basic and polar, with glycine, which is neutral and non-polar, at codon 424 of the CACNB2 protein (p.Arg424Gly).